The following is an entry in ClinVar:

ClinVar aggregate classification (germline): Likely pathogenic (1 of 4 stars; one submission).

Conditions:
Congenital hyperammonemia, type I. Also called: Carbamoyl phosphate synthetase I deficiency disease; Carbamoyl phosphate synthetase 1 deficiency; Hyperammonemia due to carbamoyl phosphate synthetase 1 deficiency; CPS 1 deficiency; Carbamyl phosphate synthetase (CPS) deficiency; Carbamoyl-phosphate synthase I deficiency. Identifiers: Orphanet 147, MedGen C4082171, MONDO:0009376, OMIM 237300.

Submission:

Myriad Genetics, Inc.
Classification: Likely pathogenic for Congenital hyperammonemia, type I. Last evaluated: 2019-08-09. Review status: criteria provided, single submitter. Criteria: Myriad Women's Health Autosomal Recessive and X-Linked Classification Criteria (2019). Collection method: clinical testing. Allele origin: unknown.
Comment: NM_001875.4(CPS1):c.4066A>T(K1356*) is expected to be pathogenic in the context of carbamoylphosphate synthetase I deficiency. This variant is predicted to lead to an abnormal or absent protein product due to the creation of a premature termination codon in CPS1, a gene where loss-of-function variants are known to be pathogenic. Please note: this variant was assessed in the context of healthy population screening.

NM_001875.5(CPS1):c.4066A>T (p.Lys1356Ter)

Gene: CPS1 (carbamoyl-phosphate synthase 1; plus strand). Cytogenetic location: 2q34.
Variant type: single nucleotide variant.
Coding change: c.4066A>T on transcript NM_001875.5 (MANE Select); coding-DNA position 4066, A replaced by T.
Protein change: p.Lys1356Ter; replaces lysine 1356 with a stop codon.
Molecular consequence: nonsense. On other transcripts: non-coding transcript variant (2).
Genome position (GRCh38, 1-based): chr2:210,668,249, A>T. VCF-style: chr2-210668249-A-T. GRCh37 (hg19) VCF-style: chr2-211532973-A-T.
Other names: c.4066A>T, p.Lys1356Ter (NM_001122633.3, NM_001369257.1); c.4099A>T, p.Lys1367Ter (NM_001369256.1); short protein forms K1356*, K1367*.
Identifiers: ClinVar variation 984076 (VCV000984076.3), dbSNP rs1305147387, ClinGen allele CA350439995.
Genomic context (GRCh38, chr2:210,668,249, plus strand): 5'-GCTTGCTTTGGTGAAGGTATTCATACAGCCTTCCTAAAGGCAATGCTTTCCACAGGATTT[A>T]AGATACCCCAGAAAGGCATCCTGATAGGCATCCAGGTAAGTGGTTTGTGGCTGTGTGCTT-3'